The following is an entry in ClinVar:

NM_001364905.1(LRBA):c.529C>A (p.Gln177Lys)

Gene: LRBA (LPS responsive beige-like anchor protein; minus strand). Cytogenetic location: 4q31.3.
Variant type: single nucleotide variant.
Coding change: c.529C>A on transcript NM_001364905.1 (MANE Select); coding-DNA position 529, C replaced by A.
Protein change: p.Gln177Lys; replaces glutamine 177 with lysine.
Molecular consequence: missense variant.
Genome position (GRCh38, 1-based): chr4:150,928,536, G>T on the plus strand (C>A on the coding strand, the complement: LRBA is on the minus strand). VCF-style: chr4-150928536-G-T. GRCh37 (hg19) VCF-style: chr4-151849688-G-T.
Other names: c.529C>A, p.Gln177Lys (NM_001199282.3, NM_001367550.1, NM_006726.5); short protein forms Q177K.
Identifiers: ClinVar variation 2065906 (VCV002065906.4), dbSNP rs773600292, ClinGen allele CA358438994.

ClinVar aggregate classification (germline): Uncertain significance (1 of 4 stars; one submission).

Conditions:
Combined immunodeficiency due to LRBA deficiency. Also called: Common variable immunodeficiency 8, with autoimmunity. Identifiers: Orphanet 445018, MedGen C3553512, MONDO:0013863, OMIM 614700.

Submission:

Labcorp Genetics (formerly Invitae), Labcorp
Classification: Uncertain significance for Combined immunodeficiency due to LRBA deficiency. Last evaluated: 2021-12-29. Review status: criteria provided, single submitter. Criteria: Invitae Variant Classification Sherloc (09022015). Collection method: clinical testing. Allele origin: germline.
Comment: This sequence change replaces glutamine, which is neutral and polar, with lysine, which is basic and polar, at codon 177 of the LRBA protein (p.Gln177Lys). This variant is not present in population databases (gnomAD no frequency). In summary, the available evidence is currently insufficient to determine the role of this variant in disease. Therefore, it has been classified as a Variant of Uncertain Significance. Algorithms developed to predict the effect of missense changes on protein structure and function (SIFT, PolyPhen-2, Align-GVGD) all suggest that this variant is likely to be tolerated. This variant has not been reported in the literature in individuals affected with LRBA-related conditions.